The following is an entry in ClinVar:

ClinVar aggregate classification (germline): Uncertain significance. Review status: criteria provided, multiple submitters, no conflicts (2 of 4 stars). 2 submissions from 2 submitters: Uncertain significance (2). Last evaluated 2026-07-22.

Conditions:
Inborn genetic diseases. Identifiers: MedGen C0950123, MeSH D030342.
Fanconi anemia (FA). Also called: Fanconi's anemia. Identifiers: Orphanet 84, MedGen C0015625, MeSH D005199, MONDO:0019391.

Submissions (2):

Ambry Genetics
Classification: Uncertain significance for Inborn genetic diseases. Last evaluated: 2026-07-22. Review status: criteria provided, single submitter. Criteria: Ambry Variant Classification Scheme 2023. Collection method: clinical testing. Allele origin: germline.
Comment: The p.E1050D variant (also known as c.3150G>C), located in coding exon 32 of the FANCA gene, results from a G to C substitution at nucleotide position 3150. The glutamic acid at codon 1050 is replaced by aspartic acid, an amino acid with highly similar properties. This amino acid position is conserved. In addition, this alteration is predicted to be tolerated by in silico analysis. Based on the available evidence, the clinical significance of this variant remains unclear.

Labcorp Genetics (formerly Invitae), Labcorp
Classification: Uncertain significance for Fanconi anemia. Last evaluated: 2021-02-21. Review status: criteria provided, single submitter. Criteria: Invitae Variant Classification Sherloc (09022015). Collection method: clinical testing. Allele origin: germline.
Comment: This variant has not been reported in the literature in individuals with FANCA-related conditions. This variant is not present in population databases (ExAC no frequency). This sequence change replaces glutamic acid with aspartic acid at codon 1050 of the FANCA protein (p.Glu1050Asp). The glutamic acid residue is weakly conserved and there is a small physicochemical difference between glutamic acid and aspartic acid. Advanced modeling of protein sequence and biophysical properties (such as structural, functional, and spatial information, amino acid conservation, physicochemical variation, residue mobility, and thermodynamic stability) performed at Invitae indicates that this missense variant is not expected to disrupt FANCA protein function. In summary, the available evidence is currently insufficient to determine the role of this variant in disease. Therefore, it has been classified as a Variant of Uncertain Significance.

NM_000135.4(FANCA):c.3150G>C (p.Glu1050Asp)

Gene: FANCA (FA complementation group A; minus strand). Cytogenetic location: 16q24.3.
Variant type: single nucleotide variant.
Coding change: c.3150G>C on transcript NM_000135.4 (MANE Select); coding-DNA position 3150, G replaced by C.
Protein change: p.Glu1050Asp; replaces glutamic acid 1050 with aspartic acid.
Molecular consequence: missense variant.
Genome position (GRCh38, 1-based): chr16:89,749,819, C>G on the plus strand (G>C on the coding strand, the complement: FANCA is on the minus strand). VCF-style: chr16-89749819-C-G. GRCh37 (hg19) VCF-style: chr16-89816227-C-G.
Other names: c.3150G>C, p.Glu1050Asp (NM_001286167.3); c.3150G>C (NM_000135.2); short protein forms E1050D.
Identifiers: ClinVar variation 1374822 (VCV001374822.9), dbSNP rs2143139115, ClinGen allele CA397486591.